The following is an entry in ClinVar:

NM_000287.4(PEX6):c.1881T>G (p.Cys627Trp)

Gene: PEX6 (peroxisomal biogenesis factor 6; minus strand). Cytogenetic location: 6p21.1.
Variant type: single nucleotide variant.
Coding change: c.1881T>G on transcript NM_000287.4 (MANE Select); coding-DNA position 1881, T replaced by G.
Protein change: p.Cys627Trp; replaces cysteine 627 with tryptophan.
Molecular consequence: missense variant. On other transcripts: non-coding transcript variant (1).
Genome position (GRCh38, 1-based): chr6:42,967,371, A>C on the plus strand (T>G on the coding strand, the complement: PEX6 is on the minus strand). VCF-style: chr6-42967371-A-C. GRCh37 (hg19) VCF-style: chr6-42935109-A-C.
Other names: c.1617T>G, p.Cys539Trp (NM_001316313.2); short protein forms C539W, C627W.
Identifiers: ClinVar variation 2118065 (VCV002118065.4), dbSNP rs2481216714, ClinGen allele CA364153350.

ClinVar aggregate classification (germline): Uncertain significance (1 of 4 stars; one submission).

Conditions:
Peroxisome biogenesis disorder. Identifiers: Orphanet 79189, MedGen C1832200, MONDO:0019234. Disease mechanism: loss of function.

Submission:

Labcorp Genetics (formerly Invitae), Labcorp
Classification: Uncertain significance for Peroxisome biogenesis disorder. Last evaluated: 2024-10-16. Review status: criteria provided, single submitter. Criteria: Invitae Variant Classification Sherloc (09022015). Collection method: clinical testing. Allele origin: germline.
Comment: This sequence change replaces cysteine, which is neutral and slightly polar, with tryptophan, which is neutral and slightly polar, at codon 627 of the PEX6 protein (p.Cys627Trp). This variant is not present in population databases (gnomAD no frequency). This variant has not been reported in the literature in individuals affected with PEX6-related conditions. ClinVar contains an entry for this variant (Variation ID: 2118065). Invitae Evidence Modeling of protein sequence and biophysical properties (such as structural, functional, and spatial information, amino acid conservation, physicochemical variation, residue mobility, and thermodynamic stability) indicates that this missense variant is not expected to disrupt PEX6 protein function with a negative predictive value of 95%. In summary, the available evidence is currently insufficient to determine the role of this variant in disease. Therefore, it has been classified as a Variant of Uncertain Significance.